The following is an entry in ClinVar:

NM_201599.3(ZMYM3):c.1135_1136delinsTT (p.Glu379Leu)

Gene: ZMYM3 (zinc finger MYM-type containing 3; minus strand). Cytogenetic location: Xq13.1.
Variant type: Indel.
Coding change: c.1135_1136delinsTT on transcript NM_201599.3 (MANE Select); coding-DNA positions 1135 to 1136, GA replaced by TT.
Protein change: p.Glu379Leu; replaces glutamic acid 379 with leucine.
Molecular consequence: missense variant.
Genome position (GRCh38, 1-based): chrX:71,250,141-71,250,142, TC replaced by AA on the plus strand (GA replaced by TT on the coding strand, the reverse complement: ZMYM3 is on the minus strand). VCF-style: chrX-71250141-TC-AA. GRCh37 (hg19) VCF-style: chrX-70469991-TC-AA.
Other names: c.1135_1136delinsTT, p.Glu379Leu (NM_001171162.1, NM_001171163.1, NM_005096.3); short protein forms E379L.
Identifiers: ClinVar variation 4976366 (VCV004976366.1).

ClinVar aggregate classification (germline): Uncertain significance (1 of 4 stars; one submission).

Submission:

GeneDx
Classification: Uncertain significance. Last evaluated: 2026-02-06. Review status: criteria provided, single submitter. Criteria: GeneDx Variant Classification Process June 2021. Collection method: clinical testing. Allele origin: germline.
Comment: Not observed at significant frequency in large population cohorts (gnomAD); In silico analysis supports a deleterious effect on protein structure/function; Has not been previously published as pathogenic or benign to our knowledge